The following is an entry in ClinVar:

NC_000015.9:g.(?_85408956)_(85411660_?)del

Gene: ALPK3 (alpha kinase 3; plus strand). Cytogenetic location: 15q25.3.
Variant type: Deletion.
Identifiers: ClinVar variation 2426596 (VCV002426596.4).

ClinVar aggregate classification (germline): Uncertain significance (1 of 4 stars; one submission).

Submission:

Labcorp Genetics (formerly Invitae), Labcorp
Classification: Uncertain significance. Last evaluated: 2022-06-08. Review status: criteria provided, single submitter. Criteria: Invitae Variant Classification Sherloc (09022015). Collection method: clinical testing. Allele origin: germline.
Comment: This variant results in the deletion of exon 13 and part of exon 14 (c.5329+1060_5697delins78) of the ALPK3 gene. While this variant is not anticipated to result in nonsense mediated decay, it likely alters RNA splicing and results in a disrupted protein product. This variant has not been reported in the literature in individuals affected with ALPK3-related conditions. In summary, the available evidence is currently insufficient to determine the role of this variant in disease. Therefore, it has been classified as a Variant of Uncertain Significance. Variants that disrupt the consensus splice site are a relatively common cause of aberrant splicing (PMID: 17576681, 9536098). Experimental studies and prediction algorithms are not available or were not evaluated, and the functional significance of this variant is currently unknown.

Literature cited by the submitters: PubMed 17576681; PubMed 9536098.